The following is an entry in ClinVar:

ClinVar aggregate classification (germline): Uncertain significance. Review status: criteria provided, multiple submitters, no conflicts (2 of 4 stars). 8 submissions from 8 submitters: Uncertain significance (7). 1 of the submissions does not count toward it. Last evaluated 2025-12-13.

Conditions:
Hereditary cancer-predisposing syndrome. Also called: Neoplastic Syndromes, Hereditary; Hereditary Cancer Syndrome; Tumor predisposition; Hereditary neoplastic syndrome. Identifiers: Orphanet 140162, MedGen C0027672, MeSH D009386, MONDO:0015356.
Ataxia-telangiectasia syndrome (AT). Also called: LOUIS-BAR SYNDROME; Cerebello-oculocutaneous telangiectasia; Immunodeficiency with ataxia telangiectasia; Ataxia-telangiectasia, complementation group D; AT, COMPLEMENTATION GROUP C; Ataxia-telangiectasia, complementation group E. Identifiers: Orphanet 100, MedGen C0004135, MONDO:0008840, OMIM 208900.
Familial cancer of breast. Also called: Hereditary breast cancer; BREAST CANCER, FAMILIAL; hereditary breast carcinoma. Identifiers: Orphanet 227535, MedGen C0346153, MONDO:0016419, OMIM 114480. Disease mechanism: loss of function.

Allele frequency attached by ClinVar (database versions not stated): gnomAD exomes below 0.00001; TOPMed below 0.00001.
gnomAD v4.1: 6 of 1,614,056 alleles (0.00037%); highest among the groups gnomAD compares: South Asian, 0.0011%; no homozygotes.

Submissions (8):

Labcorp Genetics (formerly Invitae), Labcorp
Classification: Uncertain significance for Ataxia-telangiectasia syndrome. Last evaluated: 2025-12-13. Review status: criteria provided, single submitter. Criteria: Invitae Variant Classification Sherloc (09022015). Collection method: clinical testing. Allele origin: germline.
Comment: This sequence change replaces isoleucine, which is neutral and non-polar, with threonine, which is neutral and polar, at codon 2401 of the ATM protein (p.Ile2401Thr). This variant is not present in population databases (gnomAD no frequency). This missense change has been observed in individual(s) with breast and/or ovarian cancer (PMID: 12810666, 19781682). ClinVar contains an entry for this variant (Variation ID: 453666). Invitae Evidence Modeling of protein sequence and biophysical properties (such as structural, functional, and spatial information, amino acid conservation, physicochemical variation, residue mobility, and thermodynamic stability) has been performed for this missense variant. However, the output from this modeling did not meet the statistical confidence thresholds required to predict the impact of this variant on ATM protein function. In summary, the available evidence is currently insufficient to determine the role of this variant in disease. Therefore, it has been classified as a Variant of Uncertain Significance.

Ambry Genetics
Classification: Uncertain significance for Hereditary cancer-predisposing syndrome. Last evaluated: 2025-06-18. Review status: criteria provided, single submitter. Criteria: Ambry Variant Classification Scheme 2023. Collection method: clinical testing. Allele origin: germline.
Comment: The p.I2401T variant (also known as c.7202T>C), located in coding exon 48 of the ATM gene, results from a T to C substitution at nucleotide position 7202. The isoleucine at codon 2401 is replaced by threonine, an amino acid with similar properties. This variant was seen in one breast cancer case in a case-control study (Tavtigian SV et al. Am. J. Hum. Genet., 2009 Oct;85:427-46). This alteration was also identified in 1 of 7636 unselected prostate cancer patients and 0 of 12366 male controls of Japanese ancestry (Momozawa Y et al. J Natl Cancer Inst, 2020 Apr;112:369-376). This amino acid position is highly conserved in available vertebrate species. In addition, this alteration is predicted to be deleterious by in silico analysis. Based on the available evidence, the clinical significance of this variant remains unclear.

GeneDx
Classification: Uncertain significance. Last evaluated: 2024-06-18. Review status: criteria provided, single submitter. Criteria: GeneDx Variant Classification Process June 2021. Collection method: clinical testing. Allele origin: germline. Affected: yes.
Comment: Not observed at significant frequency in large population cohorts (gnomAD); In silico analysis supports that this missense variant has a deleterious effect on protein structure/function; Observed in individuals with a personal or family history of breast, ovarian, or prostate cancer (PMID: 19781682, 12810666, 31214711, 33471991, 34204722); This variant is associated with the following publications: (PMID: 12810666, 20346647, 19781682, 23532176, 36243179, 31214711, 34204722, 33471991)

Baylor Genetics
Classification: Uncertain significance for Familial cancer of breast. Last evaluated: 2023-05-31. Review status: criteria provided, single submitter. Criteria: ACMG Guidelines, 2015. Collection method: clinical testing. Allele origin: unknown.

Sema4
Classification: Uncertain significance for Hereditary cancer-predisposing syndrome. Last evaluated: 2022-02-26. Review status: criteria provided, single submitter. Criteria: Sema4 Curation Guidelines. Collection method: curation. Allele origin: germline.
Comment: The ATM c.7202T>C (p.I2401T) has been reported in at least 2 individuals with breast cancer (PMID 12810666, 19781682, 34204722). This variant is not reported in the population database Genome Aggregation Database (PMID 32461654). This variant has been reported in ClinVar (Variation ID 453666). In silico tools suggest the impact of the variant on protein function is deleterious, though these predictions have not been confirmed by functional studies. The evidence is insufficient to meet ACMG/AMP criteria for classifying the variant as benign or pathogenic. Thus, the clinical significance of this variant is currently uncertain.

Mendelics
Classification: Uncertain significance for Ataxia-telangiectasia syndrome. Last evaluated: 2019-05-28. Review status: criteria provided, single submitter. Criteria: Mendelics Assertion Criteria 2017. Collection method: clinical testing. Allele origin: unknown.

Color Diagnostics, LLC DBA Color Health
Classification: Uncertain significance for Hereditary cancer-predisposing syndrome. Last evaluated: 2018-09-11. Review status: criteria provided, single submitter. Criteria: ACMG Guidelines, 2015. Collection method: clinical testing. Allele origin: germline.

Natera, Inc.
Classification: Uncertain significance for Ataxia-telangiectasia. Last evaluated: 2020-12-04. Review status: no assertion criteria provided. Collection method: clinical testing. Allele origin: germline. Not counted in ClinVar's aggregate classification.

Literature cited by the submitters: PubMed 12810666 (cited by Labcorp Genetics (formerly Invitae), Labcorp and Sema4); PubMed 19781682 (cited by 3 submitters); PubMed 20346647 (cited by Ambry Genetics); PubMed 31214711 (cited by Ambry Genetics); PubMed 34204722 (cited by Sema4); PubMed 33471991 (cited by Sema4).

NM_000051.4(ATM):c.7202T>C (p.Ile2401Thr)

Genes: ATM (ATM serine/threonine kinase; plus strand), C11orf65 (chromosome 11 open reading frame 65; minus strand). Cytogenetic location: 11q22.3.
Variant type: single nucleotide variant.
Coding change: c.7202T>C on transcript NM_000051.4 (MANE Select); coding-DNA position 7202, T replaced by C.
Protein change: p.Ile2401Thr; replaces isoleucine 2401 with threonine.
Molecular consequence: missense variant. On other transcripts: intron variant (2).
Genome position (GRCh38, 1-based): chr11:108,329,133, T>C. VCF-style: chr11-108329133-T-C. GRCh37 (hg19) VCF-style: chr11-108199860-T-C.
Other names: c.7202T>C, p.Ile2401Thr (NM_001351834.2); c.641-20062A>G (NM_001330368.2); c.*38+6087A>G (NM_001351110.2); short protein forms I2401T.
Identifiers: ClinVar variation 453666 (VCV000453666.32), dbSNP rs1555122117, ClinGen allele CA382559618.